The following is an entry in ClinVar:

ClinVar aggregate classification (germline): Likely pathogenic (1 of 4 stars; one submission).

Allele frequency attached by ClinVar (database versions not stated): gnomAD exomes 0.00001; TOPMed 0.00003; 1000 Genomes Project 0.00020; gnomAD 0.00002; ExAC 0.00006; 1000 Genomes Project 30x 0.00016.
gnomAD v4.1: 14 of 1,610,086 alleles (0.00087%); highest among the groups gnomAD compares: Admixed American, 0.018%; no homozygotes.

Submission:

Labcorp Genetics (formerly Invitae), Labcorp
Classification: Likely pathogenic. Last evaluated: 2025-03-24. Review status: criteria provided, single submitter. Criteria: Invitae Variant Classification Sherloc (09022015). Collection method: clinical testing. Allele origin: germline.
Comment: This sequence change affects an acceptor splice site in intron 6 of the C6 gene. It is expected to disrupt RNA splicing. Variants that disrupt the donor or acceptor splice site typically lead to a loss of protein function (PMID: 16199547), and loss-of-function variants in C6 are known to be pathogenic (PMID: 17257682). This variant is present in population databases (rs575510858, gnomAD 0.03%). This variant has not been reported in the literature in individuals affected with C6-related conditions. ClinVar contains an entry for this variant (Variation ID: 2742677). Algorithms developed to predict the effect of sequence changes on RNA splicing suggest that this variant may disrupt the consensus splice site. In summary, the currently available evidence indicates that the variant is pathogenic, but additional data are needed to prove that conclusively. Therefore, this variant has been classified as Likely Pathogenic.

Literature cited by the submitters: PubMed 16199547; PubMed 17257682.

NM_000065.5(C6):c.727-2A>G

Gene: C6 (complement C6; minus strand). Cytogenetic location: 5p13.1.
Variant type: single nucleotide variant.
Coding change: c.727-2A>G on transcript NM_000065.5 (MANE Select); the canonical splice acceptor site of the intron before coding-DNA position 727, A replaced by G.
Molecular consequence: splice acceptor variant.
Genome position (GRCh38, 1-based): chr5:41,181,561, T>C on the plus strand (A>G on the coding strand, the complement: C6 is on the minus strand). VCF-style: chr5-41181561-T-C. GRCh37 (hg19) VCF-style: chr5-41181663-T-C.
Other names: c.727-2A>G (NM_001115131.4).
Identifiers: ClinVar variation 2742677 (VCV002742677.3), dbSNP rs575510858, ClinGen allele CA3252666.
Genomic context (GRCh38, chr5:41,181,561, plus strand): 5'-CCAAGAGAAGTTAAATCCTTGTAGAAATCTGTTTTCAAGTCATCTTCTGCAGTTTGTACC[T>C]GGAGAAAAATCCATGTAAAATAAAATATAATTTAGGAAATACTGGAGCGACTTGTGGATA-3'